The following is an entry in ClinVar:

ClinVar aggregate classification (germline): Pathogenic (1 of 4 stars; one submission).

Conditions:
Lymphoproliferative syndrome 2 (LPFS2). Also called: Combined immunodeficiency due to CD27 deficiency; CD27 DEFICIENCY. Identifiers: Orphanet 238505, MedGen C3554540, MONDO:0014054, OMIM 615122.

Submission:

Labcorp Genetics (formerly Invitae), Labcorp
Classification: Pathogenic for Lymphoproliferative syndrome 2. Last evaluated: 2022-04-15. Review status: criteria provided, single submitter. Criteria: Invitae Variant Classification Sherloc (09022015). Collection method: clinical testing. Allele origin: germline.
Comment: This sequence change creates a premature translational stop signal (p.His86Thrfs*43) in the CD27 gene. It is expected to result in an absent or disrupted protein product. Loss-of-function variants in CD27 are known to be pathogenic (PMID: 25843314). For these reasons, this variant has been classified as Pathogenic. This variant has not been reported in the literature in individuals affected with CD27-related conditions. This variant is not present in population databases (gnomAD no frequency).

Literature cited by the submitters: PubMed 25843314.

NM_001242.5(CD27):c.256del (p.His86fs)

Genes: CD27 (CD27 molecule; plus strand), CD27-AS1 (CD27 antisense RNA 1; minus strand). Cytogenetic location: 12p13.31.
Variant type: Deletion.
Coding change: c.256del on transcript NM_001242.5 (MANE Select); coding-DNA position 256, one base deleted (C; older notation c.256delC).
Protein change: p.His86fs; shifts the reading frame from histidine 86.
Molecular consequence: frameshift variant.
Genome position (GRCh38, 1-based): chr12:6,445,543, C deleted. VCF-style (leftmost placement, unchanged base first): chr12-6445542-GC-G. GRCh37 (hg19) VCF-style: chr12-6554708-GC-G.
Other names: c.256delC, p.His86Thrfs (NM_001413263.1, NM_001413265.1); c.-195delC (NM_001413266.1, NM_001413268.1); c.-283delC (NM_001413267.1); short protein forms H86fs.
Identifiers: ClinVar variation 2126450 (VCV002126450.4), dbSNP rs2498108640, ClinGen allele CA2580086251.
Genomic context (GRCh38, chr12:6,445,542, plus strand): 5'-CATACCGGGGGTCTCCTTCTCTCCTGACCACCACACCCGGCCCCACTGTGAGAGCTGTCG[GC>G]ACTGTAACTCTGGTGAGGTGGGCAAGGGTGTGTAGGTGGGGACGATGGACAAGCATCTGG-3'